The following is an entry in ClinVar:

ClinVar aggregate classification (germline): Uncertain significance (1 of 4 stars; one submission).

Submission:

CeGaT Center for Human Genetics Tuebingen
Classification: Uncertain significance. Last evaluated: 2023-01-01. Review status: criteria provided, single submitter. Criteria: CeGaT Center For Human Genetics Tuebingen Variant Classification Criteria Version 2. Collection method: clinical testing. Allele origin: germline. Affected: yes. Observed: 1 variant allele.
Comment: FAS: PM2

NM_000043.6(FAS):c.98A>C (p.Lys33Thr)

Gene: FAS (Fas cell surface death receptor; plus strand). Cytogenetic location: 10q23.31.
Variant type: single nucleotide variant.
Coding change: c.98A>C on transcript NM_000043.6 (MANE Select); coding-DNA position 98, A replaced by C.
Protein change: p.Lys33Thr; replaces lysine 33 with threonine.
Molecular consequence: missense variant. On other transcripts: non-coding transcript variant (7).
Genome position (GRCh38, 1-based): chr10:89,003,096, A>C. VCF-style: chr10-89003096-A-C. GRCh37 (hg19) VCF-style: chr10-90762853-A-C.
Other names: c.98A>C, p.Lys33Thr (NM_001320619.2, NM_152871.4, NM_152872.4); c.143A>C, p.Lys48Thr (NM_001410956.1); short protein forms K33T, K48T.
Identifiers: ClinVar variation 2498466 (VCV002498466.28), dbSNP rs2495020118, ClinGen allele CA377507452.